The following is an entry in ClinVar:

NM_006941.4(SOX10):c.666del (p.Met223fs)

Genes: POLR2F (RNA polymerase II, I and III subunit F; plus strand), SOX10 (SRY-box transcription factor 10; minus strand). Cytogenetic location: 22q13.1.
Variant type: Deletion.
Coding change: c.666del on transcript NM_006941.4 (MANE Select); coding-DNA position 666, one base deleted (C; older notation c.666delC).
Protein change: p.Met223fs; shifts the reading frame from methionine 223.
Molecular consequence: frameshift variant. On other transcripts: intron variant (3).
Genome position (GRCh38, 1-based): chr22:37,977,898, G deleted on the plus strand (C on the coding strand, the reverse complement: SOX10 is on the minus strand); the first of 5 consecutive G bases (chr22:37,977,898-37,977,902); deleting any one gives the same sequence. VCF-style (leftmost placement, unchanged base first): chr22-37977897-TG-T. GRCh37 (hg19) VCF-style: chr22-38373904-TG-T.
Other names: c.*38+5592del (NM_001363825.1); c.294-8252del (NM_001301130.2); c.293+10732del (NM_001301131.2); short protein forms M223fs.
Identifiers: ClinVar variation 3644984 (VCV003644984.2).
Genomic context (GRCh38, chr22:37,977,897, plus strand): 5'-CCCACCCTCAGCTCTGTCATCAGCACTCACCTGAGGGGTGCTCGGGGTTCCCATCTGACA[TG>T]GGGGAGCCCTCTCCTGGGTGCCGGTGGTCCAAGTGGGCGCTCTTGTAGTGGGCCTGGATG-3'

ClinVar aggregate classification (germline): Pathogenic (1 of 4 stars; one submission).

Submission:

Labcorp Genetics (formerly Invitae), Labcorp
Classification: Pathogenic. Last evaluated: 2024-03-07. Review status: criteria provided, single submitter. Criteria: Invitae Variant Classification Sherloc (09022015). Collection method: clinical testing. Allele origin: germline.
Comment: This sequence change creates a premature translational stop signal (p.Met223Cysfs*63) in the SOX10 gene. While this is not anticipated to result in nonsense mediated decay, it is expected to disrupt the last 244 amino acid(s) of the SOX10 protein. This variant is not present in population databases (gnomAD no frequency). This variant has not been reported in the literature in individuals affected with SOX10-related conditions. This variant disrupts a region of the SOX10 protein in which other variant(s) (p.Gln399Valfs*2) have been determined to be pathogenic (PMID: 23237859). This suggests that this is a clinically significant region of the protein, and that variants that disrupt it are likely to be disease-causing. For these reasons, this variant has been classified as Pathogenic.

Literature cited by the submitters: PubMed 23237859.